The following is an entry in ClinVar:

NM_001379291.1(BRD4):c.2274_2294dup (p.Pro768_Pro769insGlnGlnProProProProPro)

Gene: BRD4 (bromodomain containing 4; minus strand). Cytogenetic location: 19p13.12.
Variant type: Duplication.
Coding change: c.2274_2294dup on transcript NM_001379291.1 (MANE Select); coding-DNA positions 2274 to 2294, 21 bases duplicated (CCCGCCTCCCCAGCAGCCCCC).
Protein change: p.Pro768_Pro769insGlnGlnProProProProPro.
Molecular consequence: inframe insertion.
Genome position (GRCh38, 1-based): chr19:15,244,518-15,244,538, GGGGGCTGCTGGGGAGGCGGG duplicated on the plus strand (CCCGCCTCCCCAGCAGCCCCC on the coding strand, the reverse complement: BRD4 is on the minus strand); duplicating any 21 consecutive bases within chr19:15,244,518-15,244,540 gives the same sequence; the c. name uses the placement nearest the transcript's 3' end. VCF-style (leftmost placement, unchanged base first): chr19-15244517-T-TGGGGGCTGCTGGGGAGGCGGG. GRCh37 (hg19) VCF-style: chr19-15355328-T-TGGGGGCTGCTGGGGAGGCGGG.
Other names: c.2274_2294dup, p.Pro768_Pro769insGlnGlnProProProProPro (NM_058243.3).
Identifiers: ClinVar variation 2127666 (VCV002127666.4), dbSNP rs1310868609, ClinGen allele CA632128490.

ClinVar aggregate classification (germline): Uncertain significance (1 of 4 stars; one submission).

Submission:

Labcorp Genetics (formerly Invitae), Labcorp
Classification: Uncertain significance. Last evaluated: 2022-04-18. Review status: criteria provided, single submitter. Criteria: Invitae Variant Classification Sherloc (09022015). Collection method: clinical testing. Allele origin: germline.
Comment: This variant is not present in population databases (gnomAD no frequency). This variant, c.2274_2294dup, results in the insertion of 7 amino acid(s) of the BRD4 protein (p.Gln762_Pro768dup), but otherwise preserves the integrity of the reading frame. This variant has not been reported in the literature in individuals affected with BRD4-related conditions. In summary, the available evidence is currently insufficient to determine the role of this variant in disease. Therefore, it has been classified as a Variant of Uncertain Significance. Algorithms developed to predict the effect of sequence changes on RNA splicing suggest that this variant may create or strengthen a splice site.